The following is an entry in ClinVar:

NM_145290.4(ADGRA3):c.330G>A (p.Leu110=)

Gene: ADGRA3 (adhesion G protein-coupled receptor A3; minus strand). Cytogenetic location: 4p15.2.
Variant type: single nucleotide variant.
Coding change: c.330G>A on transcript NM_145290.4 (MANE Select); coding-DNA position 330, G replaced by A.
Protein change: p.Leu110=; no amino-acid change (leucine 110 retained).
Molecular consequence: synonymous variant.
Genome position (GRCh38, 1-based): chr4:22,461,808, C>T on the plus strand (G>A on the coding strand, the complement: ADGRA3 is on the minus strand). VCF-style: chr4-22461808-C-T. GRCh37 (hg19) VCF-style: chr4-22463431-C-T.
Identifiers: ClinVar variation 1014389 (VCV001014389.8), dbSNP rs1229865402, ClinGen allele CA438719767.

ClinVar aggregate classification (germline): Uncertain significance (1 of 4 stars; one submission).

Allele frequency attached by ClinVar (database versions not stated): TOPMed 0.00002; gnomAD exomes below 0.00001; gnomAD 0.00001.
gnomAD v4.1: 4 of 1,595,290 alleles (0.00025%); highest among the groups gnomAD compares: African/African-American, 0.004%; no homozygotes.

Submission:

Labcorp Genetics (formerly Invitae), Labcorp
Classification: Uncertain significance. Last evaluated: 2020-10-22. Review status: criteria provided, single submitter. Criteria: Invitae Variant Classification Sherloc (09022015). Collection method: clinical testing. Allele origin: germline.
Comment: This variant is not present in population databases (ExAC no frequency). This variant has not been reported in the literature in individuals with ADGRA3-related conditions. Algorithms developed to predict the effect of sequence changes on RNA splicing suggest that this variant is not likely to affect RNA splicing, but this prediction has not been confirmed by published transcriptional studies. In summary, the available evidence is currently insufficient to determine the role of this variant in disease. Therefore, it has been classified as a Variant of Uncertain Significance. This sequence change affects codon 110 of the ADGRA3 mRNA. It is a 'silent' change, meaning that it does not change the encoded amino acid sequence of the ADGRA3 protein.